The following is an entry in ClinVar:

NM_001349723.3(DNAJB5):c.439G>A (p.Gly147Ser)

Gene: DNAJB5 (DnaJ heat shock protein family (Hsp40) member B5; plus strand). Cytogenetic location: 9p13.3.
Variant type: single nucleotide variant.
Coding change: c.439G>A on transcript NM_001349723.3 (MANE Select); coding-DNA position 439, G replaced by A.
Protein change: p.Gly147Ser; replaces glycine 147 with serine.
Molecular consequence: missense variant.
Genome position (GRCh38, 1-based): chr9:34,996,276, G>A. VCF-style: chr9-34996276-G-A. GRCh37 (hg19) VCF-style: chr9-34996273-G-A.
Other names: c.565G>A (NM_001135004.2); c.325G>A, p.Gly109Ser (NM_001135004.3, NM_001349725.2); c.439G>A, p.Gly147Ser (NM_001135005.3); c.223G>A, p.Gly75Ser (NM_001349724.2, NM_012266.6); short protein forms G109S, G147S, G75S.
Identifiers: ClinVar variation 1701567 (VCV001701567.31), dbSNP rs772171150, ClinGen allele CA5038175.
Genomic context (GRCh38, chr9:34,996,276, plus strand): 5'-ATTGGGGCCAGAATAAGCCACACTGCCCCTAACTTCTCCTCCCCTCTAGGCCTGAAGACC[G>A]GCGGTGGCACATCAGGTGGCTCCAGTGGCTCCTTTCACTACACCTTTCATGGGGACCCCC-3'
Protein context (NP_001336652.1, residues 137-157): DQYGEEGLKT[Gly147Ser]GGTSGGSSGS

ClinVar aggregate classification (germline): Conflicting classifications of pathogenicity. Review status: criteria provided, conflicting classifications (1 of 4 stars). 2 submissions from 2 submitters: Uncertain significance (1); Likely benign (1). Last evaluated 2025-12-03.

Allele frequency attached by ClinVar (database versions not stated): TOPMed 0.00001; gnomAD exomes below 0.00001; ExAC 0.00001; gnomAD 0.00001.
gnomAD v4.1: 10 of 1,613,188 alleles (0.00062%); highest among the groups gnomAD compares: East Asian, 0.0045%; no homozygotes.

Submissions (2):

Ambry Genetics
Classification: Uncertain significance. Last evaluated: 2025-12-03. Review status: criteria provided, single submitter. Criteria: Ambry Variant Classification Scheme 2023. Collection method: clinical testing. Allele origin: germline.

CeGaT Center for Human Genetics Tuebingen
Classification: Likely benign. Last evaluated: 2022-07-01. Review status: criteria provided, single submitter. Criteria: CeGaT Center For Human Genetics Tuebingen Variant Classification Criteria Version 2. Collection method: clinical testing. Allele origin: germline. Affected: yes. Observed: 1 variant allele.
Comment: DNAJB5: PP2, BS2